The following is an entry in ClinVar:

ClinVar aggregate classification (germline): Uncertain significance. Review status: criteria provided, multiple submitters, no conflicts (2 of 4 stars). 2 submissions from 2 submitters: Uncertain significance (2). Last evaluated 2024-01-09.

Allele frequency attached by ClinVar (database versions not stated): gnomAD exomes below 0.00001 and 0.00002; gnomAD 0.00001; TOPMed 0.00002.

Submissions (2):

GeneDx
Classification: Uncertain significance. Last evaluated: 2024-01-09. Review status: criteria provided, single submitter. Criteria: GeneDx Variant Classification Process June 2021. Collection method: clinical testing. Allele origin: germline. Affected: yes.
Comment: In silico analysis supports that this missense variant does not alter protein structure/function; Has not been previously published as pathogenic or benign to our knowledge

Labcorp Genetics (formerly Invitae), Labcorp
Classification: Uncertain significance. Last evaluated: 2022-02-05. Review status: criteria provided, single submitter. Criteria: Invitae Variant Classification Sherloc (09022015). Collection method: clinical testing. Allele origin: germline.
Comment: This sequence change replaces threonine, which is neutral and polar, with serine, which is neutral and polar, at codon 620 of the EPS8 protein (p.Thr620Ser). This variant is present in population databases (no rsID available, gnomAD 0.01%). This variant has not been reported in the literature in individuals affected with EPS8-related conditions. ClinVar contains an entry for this variant (Variation ID: 1197546). Algorithms developed to predict the effect of missense changes on protein structure and function (SIFT, PolyPhen-2, Align-GVGD) all suggest that this variant is likely to be tolerated. In summary, the available evidence is currently insufficient to determine the role of this variant in disease. Therefore, it has been classified as a Variant of Uncertain Significance.

NM_004447.6(EPS8):c.1859C>G (p.Thr620Ser)

Gene: EPS8 (EGFR pathway substrate 8, signaling adaptor; minus strand). Cytogenetic location: 12p12.3.
Variant type: single nucleotide variant.
Coding change: c.1859C>G on transcript NM_004447.6 (MANE Select); coding-DNA position 1859, C replaced by G.
Protein change: p.Thr620Ser; replaces threonine 620 with serine.
Molecular consequence: missense variant.
Genome position (GRCh38, 1-based): chr12:15,631,627, G>C on the plus strand (C>G on the coding strand, the complement: EPS8 is on the minus strand). VCF-style: chr12-15631627-G-C. GRCh37 (hg19) VCF-style: chr12-15784561-G-C.
Other names: short protein forms T620S.
Identifiers: ClinVar variation 1197546 (VCV001197546.9), dbSNP rs1254573735, ClinGen allele CA384025222.